The following is an entry in ClinVar:

ClinVar aggregate classification (germline): Uncertain significance (1 of 4 stars; one submission).

Conditions:
Saldino-Mainzer syndrome (SRTD9). Also called: CONORENAL SYNDROME; Renal dysplasia, retinal pigmentary dystrophy, cerebellar ataxia and skeletal dysplasia; SHORT-RIB THORACIC DYSPLASIA 9 WITHOUT POLYDACTYLY; short-rib thoracic dysplasia 9 with or without polydactyly. Identifiers: Orphanet 140969, MedGen C1849437, MONDO:0009964, OMIM 266920.

gnomAD v4.1: 6 of 1,608,498 alleles (0.00037%); highest among the groups gnomAD compares: Non-Finnish European, 0.00051%; no homozygotes.

Submission:

Labcorp Genetics (formerly Invitae), Labcorp
Classification: Uncertain significance for Saldino-Mainzer syndrome. Last evaluated: 2025-09-10. Review status: criteria provided, single submitter. Criteria: Invitae Variant Classification Sherloc (09022015). Collection method: clinical testing. Allele origin: germline.
Comment: This sequence change replaces leucine, which is neutral and non-polar, with phenylalanine, which is neutral and non-polar, at codon 1406 of the IFT140 protein (p.Leu1406Phe). This variant is not present in population databases (gnomAD no frequency). This variant has not been reported in the literature in individuals affected with IFT140-related conditions. Invitae Evidence Modeling of protein sequence and biophysical properties (such as structural, functional, and spatial information, amino acid conservation, physicochemical variation, residue mobility, and thermodynamic stability) indicates that this missense variant is not expected to disrupt IFT140 protein function with a negative predictive value of 80%. In summary, the available evidence is currently insufficient to determine the role of this variant in disease. Therefore, it has been classified as a Variant of Uncertain Significance.

NM_014714.4(IFT140):c.4216C>T (p.Leu1406Phe)

Gene: IFT140 (intraflagellar transport 140; minus strand). Cytogenetic location: 16p13.3.
Variant type: single nucleotide variant.
Coding change: c.4216C>T on transcript NM_014714.4 (MANE Select); coding-DNA position 4216, C replaced by T.
Protein change: p.Leu1406Phe; replaces leucine 1406 with phenylalanine.
Molecular consequence: missense variant.
Genome position (GRCh38, 1-based): chr16:1,511,117, G>A on the plus strand (C>T on the coding strand, the complement: IFT140 is on the minus strand). VCF-style: chr16-1511117-G-A. GRCh37 (hg19) VCF-style: chr16-1561118-G-A.
Other names: short protein forms L1406F.
Identifiers: ClinVar variation 4737938 (VCV004737938.1).
Genomic context (GRCh38, chr16:1,511,117, plus strand): 5'-CCCGGTGCACGGCGTCCACGGCCTGCGGGCTCACGTAGTAGGACATGTTGGCCAAGGGAA[G>A]CCGCCGCCGCATCTCCTCCAGGAATCTGTAGGCCTGGGGCAGAGGAGCAGACATTACTCA-3'
Protein context (NP_055529.2, residues 1396-1416): YRFLEEMRRR[Leu1406Phe]PLANMSYYVS